The following is an entry in ClinVar:

ClinVar aggregate classification (germline): Uncertain significance (1 of 4 stars; one submission).

Conditions:
Myopathy, proximal, and ophthalmoplegia (CMYO6). Also called: MYOPATHY WITH CONGENITAL JOINT CONTRACTURES, OPHTHALMOPLEGIA, AND RIMMED VACUOLES; INCLUSION BODY MYOPATHY 3, AUTOSOMAL DOMINANT; CONGENITAL MYOPATHY 6 WITH OPHTHALMOPLEGIA. Identifiers: Orphanet 363677, Orphanet 79091, MedGen C1854106, MONDO:0011577, OMIM 605637.

gnomAD v4.1: 2 of 1,613,906 alleles (0.00012%); highest among the groups gnomAD compares: Admixed American, 0.0033%; no homozygotes.

Submission:

Labcorp Genetics (formerly Invitae), Labcorp
Classification: Uncertain significance for Myopathy, proximal, and ophthalmoplegia. Last evaluated: 2025-04-13. Review status: criteria provided, single submitter. Criteria: Invitae Variant Classification Sherloc (09022015). Collection method: clinical testing. Allele origin: germline.
Comment: This sequence change replaces glutamine, which is neutral and polar, with glutamic acid, which is acidic and polar, at codon 726 of the MYH2 protein (p.Gln726Glu). This variant is present in population databases (no rsID available, gnomAD 0.003%). This variant has not been reported in the literature in individuals affected with MYH2-related conditions. ClinVar contains an entry for this variant (Variation ID: 3631050). Invitae Evidence Modeling of protein sequence and biophysical properties (such as structural, functional, and spatial information, amino acid conservation, physicochemical variation, residue mobility, and thermodynamic stability) indicates that this missense variant is expected to disrupt MYH2 protein function with a positive predictive value of 80%. In summary, the available evidence is currently insufficient to determine the role of this variant in disease. Therefore, it has been classified as a Variant of Uncertain Significance.

NM_017534.6(MYH2):c.2176C>G (p.Gln726Glu)

Genes: MYHAS (myosin heavy chain gene cluster antisense RNA; plus strand), MYH2 (myosin heavy chain 2; minus strand). Cytogenetic location: 17p13.1.
Variant type: single nucleotide variant.
Coding change: c.2176C>G on transcript NM_017534.6 (MANE Select); coding-DNA position 2176, C replaced by G.
Protein change: p.Gln726Glu; replaces glutamine 726 with glutamic acid.
Molecular consequence: missense variant.
Genome position (GRCh38, 1-based): chr17:10,535,077, G>C on the plus strand (C>G on the coding strand, the complement: MYH2 is on the minus strand). VCF-style: chr17-10535077-G-C. GRCh37 (hg19) VCF-style: chr17-10438394-G-C.
Other names: c.2176C>G, p.Gln726Glu (NM_001100112.2); short protein forms Q726E.
Identifiers: ClinVar variation 3631050 (VCV003631050.2).